The following is an entry in ClinVar:

NM_025137.4(SPG11):c.5887A>T (p.Lys1963Ter)

Gene: SPG11 (SPG11 vesicle trafficking associated, spatacsin; minus strand). Cytogenetic location: 15q21.1.
Variant type: single nucleotide variant.
Coding change: c.5887A>T on transcript NM_025137.4 (MANE Select); coding-DNA position 5887, A replaced by T.
Protein change: p.Lys1963Ter; replaces lysine 1963 with a stop codon.
Molecular consequence: nonsense. On other transcripts: intron variant (1).
Genome position (GRCh38, 1-based): chr15:44,575,021, T>A on the plus strand (A>T on the coding strand, the complement: SPG11 is on the minus strand). VCF-style: chr15-44575021-T-A. GRCh37 (hg19) VCF-style: chr15-44867219-T-A.
Other names: c.5743A>T, p.Lys1915Ter (NM_001411132.1); c.5867-2201A>T (NM_001160227.2); short protein forms K1915*, K1963*.
Identifiers: ClinVar variation 4805488 (VCV004805488.1).

ClinVar aggregate classification (germline): Pathogenic (1 of 4 stars; one submission).

Conditions:
Hereditary spastic paraplegia 11. Also called: Spastic paraplegia, mental retardation and thin corpus callosum; Spastic Paraplegia 11; Nakamura Osame syndrome; Autosomal recessive hereditary spastic paraplegia, mental impairment, and thin corpus callosum; SPASTIC PARAPLEGIA, AUTOSOMAL RECESSIVE, COMPLICATED, WITH THIN CORPUS CALLOSUM; SPASTIC PARAPLEGIA, AUTOSOMAL RECESSIVE, WITH MENTAL IMPAIRMENT AND THIN CORPUS CALLOSUM. Identifiers: Orphanet 2822, MedGen C1858479, MONDO:0011445, OMIM 604360.

Submission:

Labcorp Genetics (formerly Invitae), Labcorp
Classification: Pathogenic for Hereditary spastic paraplegia 11. Last evaluated: 2025-11-22. Review status: criteria provided, single submitter. Criteria: Invitae Variant Classification Sherloc (09022015). Collection method: clinical testing. Allele origin: germline.
Comment: This sequence change creates a premature translational stop signal (p.Lys1963*) in the SPG11 gene. It is expected to result in an absent or disrupted protein product. Loss-of-function variants in SPG11 are known to be pathogenic (PMID: 19105190, 20110243, 22154821, 26556829). This variant is not present in population databases (gnomAD no frequency). This variant has not been reported in the literature in individuals affected with SPG11-related conditions. For these reasons, this variant has been classified as Pathogenic.

Literature cited by the submitters: PubMed 19105190; PubMed 20110243; PubMed 22154821; PubMed 26556829.